The following is an entry in ClinVar:

ClinVar aggregate classification (germline): Uncertain significance (1 of 4 stars; one submission).

Conditions:
Hereditary cancer-predisposing syndrome. Also called: Neoplastic Syndromes, Hereditary; Tumor predisposition; Hereditary Cancer Syndrome; Hereditary neoplastic syndrome. Identifiers: Orphanet 140162, MedGen C0027672, MeSH D009386, MONDO:0015356.

Submission:

Ambry Genetics
Classification: Uncertain significance for Hereditary cancer-predisposing syndrome. Last evaluated: 2021-07-12. Review status: criteria provided, single submitter. Criteria: Ambry Variant Classification Scheme 2023. Collection method: clinical testing. Allele origin: germline.
Comment: The c.2220+4C>A intronic variant results from a C to A substitution 4 nucleotides after coding exon 19 in the TSC2 gene. This nucleotide position is not conserved on limited sequence alignment. In silico splice site analysis predicts that this alteration may result in the creation or strengthening of a novel splice acceptor site. Since supporting evidence is limited at this time, the clinical significance of this alteration remains unclear.

NM_000548.5(TSC2):c.2220+4C>A

Gene: TSC2 (TSC complex subunit 2; plus strand). Cytogenetic location: 16p13.3.
Variant type: single nucleotide variant.
Coding change: c.2220+4C>A on transcript NM_000548.5 (MANE Select); 4 bases into the intron after coding-DNA position 2220, C replaced by A.
Molecular consequence: intron variant.
Genome position (GRCh38, 1-based): chr16:2,072,367, C>A. VCF-style: chr16-2072367-C-A. GRCh37 (hg19) VCF-style: chr16-2122368-C-A.
Other names: c.2220+4C>A (NM_001114382.3, NM_021055.3, NM_001370405.1 and 3 more transcripts); c.2109+4C>A (NM_001318827.2); c.1620+4C>A (NM_001318831.2); c.2073+4C>A (NM_001318829.2); c.2253+4C>A (NM_001318832.2).
Identifiers: ClinVar variation 1787917 (VCV001787917.2), dbSNP rs781186613, ClinGen allele CA2580090810.